The following is an entry in ClinVar:

ClinVar aggregate classification (germline): Uncertain significance (1 of 4 stars; one submission).

Submission:

Women's Health and Genetics/Laboratory Corporation of America, LabCorp
Classification: Uncertain significance. Last evaluated: 2025-12-29. Review status: criteria provided, single submitter. Criteria: LabCorp Variant Classification Summary - May 2015. Collection method: clinical testing. Allele origin: germline.
Comment: Variant summary: SLC26A4 c.164G>T (p.Ser55Ile) results in a non-conservative amino acid change in the encoded protein sequence. Algorithms developed to predict the effect of missense changes on protein structure and function all suggest that this variant is likely to be disruptive. Several computational tools predict a significant impact on normal splicing: Three predict the variant abolishes a canonical 5' splicing donor site and one predicts the variant weakens this site. However, these predictions have yet to be confirmed by functional studies. The frequency data for this variant in gnomAD is considered unreliable, as metrics indicate poor data quality at this position. To our knowledge, no occurrence of c.164G>T in individuals affected with SLC26A4-related conditions and no experimental evidence demonstrating its impact on protein function have been reported. No submitters have cited clinical-significance assessments for this variant to ClinVar. Based on the evidence outlined above, the variant was classified as uncertain significance.

NM_000441.2(SLC26A4):c.164G>T (p.Ser55Ile)

Gene: SLC26A4 (solute carrier family 26 member 4; plus strand). Cytogenetic location: 7q22.3.
Variant type: single nucleotide variant.
Coding change: c.164G>T on transcript NM_000441.2 (MANE Select); coding-DNA position 164, G replaced by T.
Protein change: p.Ser55Ile; replaces serine 55 with isoleucine.
Molecular consequence: missense variant.
Genome position (GRCh38, 1-based): chr7:107,661,805, G>T. VCF-style: chr7-107661805-G-T. GRCh37 (hg19) VCF-style: chr7-107302250-G-T.
Other names: short protein forms S55I.
Identifiers: ClinVar variation 4688742 (VCV004688742.1).